The following is an entry in ClinVar:

NM_004360.5(CDH1):c.611T>C (p.Val204Ala)

Gene: CDH1 (cadherin 1; plus strand). Cytogenetic location: 16q22.1.
Variant type: single nucleotide variant.
Coding change: c.611T>C on transcript NM_004360.5 (MANE Select); coding-DNA position 611, T replaced by C.
Protein change: p.Val204Ala; replaces valine 204 with alanine.
Molecular consequence: missense variant. On other transcripts: 5 prime UTR variant (2).
Genome position (GRCh38, 1-based): chr16:68,808,772, T>C. VCF-style: chr16-68808772-T-C. GRCh37 (hg19) VCF-style: chr16-68842675-T-C.
Other names: c.611T>C, p.Val204Ala (NM_001317184.2); c.-1005T>C (NM_001317185.2); c.-1209T>C (NM_001317186.2); short protein forms V204A.
Identifiers: ClinVar variation 861154 (VCV000861154.11), dbSNP rs754581268, ClinGen allele CA8129899.
Genomic context (GRCh38, chr16:68,808,772, plus strand): 5'-AAGAAGGCAAGGTTTTCTACAGCATCACTGGCCAAGGAGCTGACACACCCCCTGTTGGTG[T>C]CTTTATTATTGAAAGAGAAACAGGATGGCTGAAGGTGACAGAGCCTCTGGATAGAGAACG-3'
Protein context (NP_004351.1, residues 194-214): GQGADTPPVG[Val204Ala]FIIERETGWL

ClinVar aggregate classification (germline): Uncertain significance. Review status: criteria provided, multiple submitters, no conflicts (2 of 4 stars). 2 submissions from 2 submitters: Uncertain significance (2). Last evaluated 2023-11-27.

Conditions:
Familial cancer of breast. Also called: hereditary breast carcinoma; BREAST CANCER, FAMILIAL; Hereditary breast cancer. Identifiers: Orphanet 227535, MedGen C0346153, MONDO:0016419, OMIM 114480. Disease mechanism: loss of function.
Hereditary diffuse gastric adenocarcinoma (HDGC). Also called: DIFFUSE GASTRIC AND LOBULAR BREAST CANCER SYNDROME. Identifiers: Orphanet 26106, MedGen C1708349, MONDO:0007648, OMIM 137215.

Allele frequency attached by ClinVar (database versions not stated): gnomAD exomes below 0.00001; ExAC 0.00001.
gnomAD v4.1: 1 of 1,614,172 alleles (0.000062%); no homozygotes.

Submissions (2):

Baylor Genetics
Classification: Uncertain significance for Familial cancer of breast. Last evaluated: 2023-11-27. Review status: criteria provided, single submitter. Criteria: ACMG Guidelines, 2015. Collection method: clinical testing. Allele origin: unknown.

Labcorp Genetics (formerly Invitae), Labcorp
Classification: Uncertain significance for Hereditary diffuse gastric adenocarcinoma. Last evaluated: 2022-09-08. Review status: criteria provided, single submitter. Criteria: Invitae Variant Classification Sherloc (09022015). Collection method: clinical testing. Allele origin: germline.
Comment: This sequence change replaces valine, which is neutral and non-polar, with alanine, which is neutral and non-polar, at codon 204 of the CDH1 protein (p.Val204Ala). This variant is present in population databases (rs754581268, gnomAD 0.004%). This variant has not been reported in the literature in individuals affected with CDH1-related conditions. ClinVar contains an entry for this variant (Variation ID: 861154). Algorithms developed to predict the effect of missense changes on protein structure and function (SIFT, PolyPhen-2, Align-GVGD) all suggest that this variant is likely to be disruptive. In summary, the available evidence is currently insufficient to determine the role of this variant in disease. Therefore, it has been classified as a Variant of Uncertain Significance.